The following is an entry in ClinVar:

ClinVar aggregate classification (germline): Pathogenic/Likely pathogenic. Review status: criteria provided, multiple submitters, no conflicts (2 of 4 stars). 2 submissions from 2 submitters: Pathogenic (1); Likely pathogenic (1). Last evaluated 2025-05-16.

Conditions:
Stargardt disease (FFM). Also called: Stargardt's disease; Fundus flavimaculatus. Identifiers: Orphanet 827, MedGen C0271093, MONDO:0019353.

Allele frequency attached by ClinVar (database versions not stated): gnomAD exomes below 0.00001.

Submissions (2):

Labcorp Genetics (formerly Invitae), Labcorp
Classification: Pathogenic. Last evaluated: 2025-05-16. Review status: criteria provided, single submitter. Criteria: Invitae Variant Classification Sherloc (09022015). Collection method: clinical testing. Allele origin: germline.
Comment: This sequence change falls in intron 28 of the ABCA4 gene. It does not directly change the encoded amino acid sequence of the ABCA4 protein. This variant is not present in population databases (gnomAD no frequency). This variant has been observed in individual(s) with clinical features Stargardt disease (PMID: 37705246; internal data). In at least one individual the data is consistent with being in trans (on the opposite chromosome) from a pathogenic variant. ClinVar contains an entry for this variant (Variation ID: 2033572). Studies have shown that this variant alters mRNA splicing and is expected to lead to the loss of protein expression (PMID: 37705246). For these reasons, this variant has been classified as Pathogenic.

Women's Health and Genetics/Laboratory Corporation of America, LabCorp
Classification: Likely pathogenic for Stargardt disease. Last evaluated: 2024-12-10. Review status: criteria provided, single submitter. Criteria: LabCorp Variant Classification Summary - May 2015. Collection method: clinical testing. Allele origin: germline.
Comment: Variant summary: ABCA4 c.4254-5T>A alters a conserved nucleotide located close to a canonical splice site and therefore could affect mRNA splicing, leading to a significantly altered protein sequence. Several computational tools predict a significant impact on normal splicing: Three predict the variant abolishes a canonical 3' acceptor site. One predicts the variant weakens this site. At least one publication reports experimental evidence that this variant affects mRNA splicing (Corradi_2023). The variant was absent in 251438 control chromosomes (gnomAD). c.4254-5T>A has been reported in the literature in individuals affected with Stargardt Disease who were compound heterozygous with a pathogenic variant (Corradi_2023). These data indicate that the variant may be associated with disease. The following publication has been ascertained in the context of this evaluation (PMID: 37705246). ClinVar contains an entry for this variant (Variation ID: 2033572). Based on the evidence outlined above, the variant was classified as likely pathogenic.

Literature cited by the submitters: PubMed 37705246 (cited by Labcorp Genetics (formerly Invitae), Labcorp and Women's Health and Genetics/Laboratory Corporation of America, LabCorp).

NM_000350.3(ABCA4):c.4254-5T>A

Gene: ABCA4 (ATP binding cassette subfamily A member 4; minus strand). Cytogenetic location: 1p22.1.
Variant type: single nucleotide variant.
Coding change: c.4254-5T>A on transcript NM_000350.3 (MANE Select); 5 bases into the intron before coding-DNA position 4254, T replaced by A.
Molecular consequence: intron variant.
Genome position (GRCh38, 1-based): chr1:94,030,531, A>T on the plus strand (T>A on the coding strand, the complement: ABCA4 is on the minus strand). VCF-style: chr1-94030531-A-T. GRCh37 (hg19) VCF-style: chr1-94496087-A-T.
Identifiers: ClinVar variation 2033572 (VCV002033572.3), dbSNP rs886044551, ClinGen allele CA2574438365.